The following is an entry in ClinVar:

ClinVar aggregate classification (germline): Uncertain significance (1 of 4 stars; one submission).

Conditions:
Primary ciliary dyskinesia. Also called: Ciliary dyskinesia. Identifiers: Orphanet 244, MedGen C0008780, MONDO:0016575, HP:0012265.

Submission:

Labcorp Genetics (formerly Invitae), Labcorp
Classification: Uncertain significance for Primary ciliary dyskinesia. Last evaluated: 2025-12-16. Review status: criteria provided, single submitter. Criteria: Invitae Variant Classification Sherloc (09022015). Collection method: clinical testing. Allele origin: germline.
Comment: This sequence change replaces aspartic acid, which is acidic and polar, with asparagine, which is neutral and polar, at codon 2455 of the DNAH11 protein (p.Asp2455Asn). This variant is not present in population databases (gnomAD no frequency). This variant has not been reported in the literature in individuals affected with DNAH11-related conditions. Invitae Evidence Modeling of protein sequence and biophysical properties (such as structural, functional, and spatial information, amino acid conservation, physicochemical variation, residue mobility, and thermodynamic stability) indicates that this missense variant is not expected to disrupt DNAH11 protein function with a negative predictive value of 95%. In summary, the available evidence is currently insufficient to determine the role of this variant in disease. Therefore, it has been classified as a Variant of Uncertain Significance.

NM_001277115.2(DNAH11):c.7363G>A (p.Asp2455Asn)

Gene: DNAH11 (dynein axonemal heavy chain 11; plus strand). Cytogenetic location: 7p15.3.
Variant type: single nucleotide variant.
Coding change: c.7363G>A on transcript NM_001277115.2 (MANE Select); coding-DNA position 7363, G replaced by A.
Protein change: p.Asp2455Asn; replaces aspartic acid 2455 with asparagine.
Molecular consequence: missense variant.
Genome position (GRCh38, 1-based): chr7:21,725,907, G>A. VCF-style: chr7-21725907-G-A. GRCh37 (hg19) VCF-style: chr7-21765525-G-A.
Other names: short protein forms D2455N.
Identifiers: ClinVar variation 4807632 (VCV004807632.1).